The following is an entry in ClinVar:

NM_194454.3(KRIT1):c.125T>C (p.Ile42Thr)

Gene: KRIT1 (KRIT1 ankyrin repeat containing; minus strand). Cytogenetic location: 7q21.2.
Variant type: single nucleotide variant.
Coding change: c.125T>C on transcript NM_194454.3 (MANE Select); coding-DNA position 125, T replaced by C.
Protein change: p.Ile42Thr; replaces isoleucine 42 with threonine.
Molecular consequence: missense variant. On other transcripts: 5 prime UTR variant (1).
Genome position (GRCh38, 1-based): chr7:92,241,130, A>G on the plus strand (T>C on the coding strand, the complement: KRIT1 is on the minus strand). VCF-style: chr7-92241130-A-G. GRCh37 (hg19) VCF-style: chr7-91870444-A-G.
Other names: c.125T>C, p.Ile42Thr (NM_001013406.2, NM_001350669.1, NM_001350670.1 and 29 more transcripts); c.-459T>C (NM_001350671.1); short protein forms I42T.
Identifiers: ClinVar variation 971465 (VCV000971465.11), dbSNP rs778226731, ClinGen allele CA4339468.
Genomic context (GRCh38, chr7:92,241,130, plus strand): 5'-CTGTTGCCTTGAAGTTTCGTTTCCAATAAAACTTTCTTTCTCTTTTTTTTCTGTCCTTCA[A>G]TGGGAACTTCATGCAACAAAATCTTAGATGAGAAAAACATTAAGAGAAAGCTTAAAATAA-3'
Protein context (NP_919436.1, residues 32-52): SYEILLHEVP[Ile42Thr]EGQKKKRKKV

ClinVar aggregate classification (germline): Uncertain significance. Review status: criteria provided, multiple submitters, no conflicts (2 of 4 stars). 2 submissions from 2 submitters: Uncertain significance (2). Last evaluated 2024-10-07.

Conditions:
Cerebral cavernous malformation (CCM). Also called: CAVERNOUS ANGIOMA, FAMILIAL; CAVERNOUS ANGIOMATOUS MALFORMATIONS; CEREBRAL CAPILLARY MALFORMATIONS; Cerebral cavernous hemangioma (type); Cavernous Hemangioma of Brain; Cerebral cavernous malformations. Identifiers: Orphanet 221061, MedGen C2919945, MONDO:0000820, OMIM 116860, HP:0033522.
Inborn genetic diseases. Identifiers: MedGen C0950123, MeSH D030342.

Allele frequency attached by ClinVar (database versions not stated): gnomAD exomes below 0.00001 and 0.00001; ExAC 0.00001.
gnomAD v4.1: 22 of 1,610,590 alleles (0.0014%); highest among the groups gnomAD compares: Middle Eastern, 0.017%; no homozygotes.

Submissions (2):

Ambry Genetics
Classification: Uncertain significance for Inborn genetic diseases. Last evaluated: 2024-10-07. Review status: criteria provided, single submitter. Criteria: Ambry Variant Classification Scheme 2023. Collection method: clinical testing. Allele origin: germline.

Labcorp Genetics (formerly Invitae), Labcorp
Classification: Uncertain significance for Cerebral cavernous malformation. Last evaluated: 2019-11-14. Review status: criteria provided, single submitter. Criteria: Invitae Variant Classification Sherloc (09022015). Collection method: clinical testing. Allele origin: germline.
Comment: In summary, the available evidence is currently insufficient to determine the role of this variant in disease. Therefore, it has been classified as a Variant of Uncertain Significance. Algorithms developed to predict the effect of missense changes on protein structure and function (SIFT, PolyPhen-2, Align-GVGD) all suggest that this variant is likely to be tolerated, but these predictions have not been confirmed by published functional studies and their clinical significance is uncertain. This variant has not been reported in the literature in individuals with KRIT1-related conditions. This variant is present in population databases (rs778226731, ExAC 0.01%). This sequence change replaces isoleucine with threonine at codon 42 of the KRIT1 protein (p.Ile42Thr). The isoleucine residue is moderately conserved and there is a moderate physicochemical difference between isoleucine and threonine.